The following is an entry in ClinVar:

NM_001130438.3(SPTAN1):c.3313C>T (p.Gln1105Ter)

Gene: SPTAN1 (spectrin alpha, non-erythrocytic 1; plus strand). Cytogenetic location: 9q34.11.
Variant type: single nucleotide variant.
Coding change: c.3313C>T on transcript NM_001130438.3 (MANE Select); coding-DNA position 3313, C replaced by T.
Protein change: p.Gln1105Ter; replaces glutamine 1105 with a stop codon.
Molecular consequence: nonsense.
Genome position (GRCh38, 1-based): chr9:128,594,272, C>T. VCF-style: chr9-128594272-C-T. GRCh37 (hg19) VCF-style: chr9-131356551-C-T.
Other names: c.3253C>T, p.Gln1085Ter (NM_001195532.2, NM_001363765.2, NM_001375314.2 and 3 more transcripts); c.3313C>T, p.Gln1105Ter (NM_001363759.2, NM_001375310.1, NM_001375311.2 and 4 more transcripts); c.3349C>T, p.Gln1117Ter (NM_001375312.2, NM_001375318.1, NM_001438440.1); short protein forms Q1085*, Q1105*, Q1117*.
Identifiers: ClinVar variation 4854396 (VCV004854396.1).

ClinVar aggregate classification (germline): Likely pathogenic (1 of 4 stars; one submission).

Conditions:
SPTAN1-related disorder. Also called: SPTAN1-related disorders; SPTAN1-related condition.

Submission:

3billion
Classification: Likely pathogenic for SPTAN1-related disorder. Last evaluated: 2025-11-16. Review status: criteria provided, single submitter. Criteria: ACMG Guidelines, 2015. Collection method: clinical testing. Allele origin: germline. Affected: yes.
Comment: The variant is not observed in the gnomAD v4.1.0 dataset. Predicted Consequence/Location: Stop-gained (nonsense): predicted to result in a loss or disruption of normal protein function through nonsense-mediated decay (NMD) or protein truncation. Multiple pathogenic variants are reported downstream of the variant. Therefore, this variant is classified as Likely pathogenic according to the recommendation of ACMG/AMP guideline.